The following is an entry in ClinVar:

NM_001283009.2(RTEL1):c.371_372inv (p.Asn124Ser)

Genes: RTEL1 (regulator of telomere elongation helicase 1; plus strand), RTEL1-TNFRSF6B (RTEL1-TNFRSF6B readthrough (NMD candidate); plus strand). Cytogenetic location: 20q13.33.
Variant type: Inversion.
Coding change: c.371_372inv on transcript NM_001283009.2 (MANE Select).
Protein change: p.Asn124Ser; replaces asparagine 124 with serine.
Molecular consequence: missense variant. On other transcripts: non-coding transcript variant (1), 5 prime UTR variant (1).
Genome position: GRCh38 VCF-style: chr20-63661919-AC-GT. GRCh37 (hg19) VCF-style: chr20-62293272-AC-GT.
Other names: c.-299_-298inv (NM_001283010.1); c.371_372inv, p.Asn124Ser (NM_016434.4, NM_032957.5); short protein forms N124S.
Identifiers: ClinVar variation 4787987 (VCV004787987.1).
Genomic context (GRCh38, chr20:63,661,919, plus strand): 5'-CGGACATCCCAAAGATTATTTACGCCTCCAGGACCCACTCGCAACTCACACAGGTCATCA[AC>GT]GAGCTTCGGAACACCTCCTACCGGTGGGTCAGACGAGTTTACACCTGTCTCGGGGTCCTC-3'
Protein context (NP_001269938.1, residues 114-134): RTHSQLTQVI[Asn124Ser]ELRNTSYRPK

ClinVar aggregate classification (germline): Uncertain significance (1 of 4 stars; one submission).

Conditions:
Pulmonary fibrosis and/or bone marrow failure, Telomere-related, 3. Also called: PULMONARY FIBROSIS AND/OR BONE MARROW FAILURE SYNDROME, TELOMERE-RELATED, 3. Identifiers: Orphanet 2032, MedGen C4225346, MONDO:0014613, OMIM 616373.
Dyskeratosis congenita, autosomal recessive 5 (DKCB5). Identifiers: MedGen C3554656, MONDO:0014076, OMIM 615190.

Submission:

Labcorp Genetics (formerly Invitae), Labcorp
Classification: Uncertain significance for Dyskeratosis congenita, autosomal recessive 5; Pulmonary fibrosis and/or bone marrow failure, Telomere-related, 3. Last evaluated: 2025-05-04. Review status: criteria provided, single submitter. Criteria: Invitae Variant Classification Sherloc (09022015). Collection method: clinical testing. Allele origin: germline.
Comment: This sequence change replaces asparagine, which is neutral and polar, with serine, which is neutral and polar, at codon 124 of the RTEL1 protein (p.Asn124Ser). Information on the frequency of this variant in the gnomAD database is not available, as this variant may be reported differently in the database. This variant has not been reported in the literature in individuals affected with RTEL1-related conditions. An algorithm developed to predict the effect of missense changes on protein structure and function (PolyPhen-2) suggests that this variant is likely to be tolerated. In summary, the available evidence is currently insufficient to determine the role of this variant in disease. Therefore, it has been classified as a Variant of Uncertain Significance.